The following is an entry in ClinVar:

NM_013266.4(CTNNA3):c.92T>A (p.Ile31Lys)

Gene: CTNNA3 (catenin alpha 3; minus strand). Cytogenetic location: 10q21.3.
Variant type: single nucleotide variant.
Coding change: c.92T>A on transcript NM_013266.4 (MANE Select); coding-DNA position 92, T replaced by A.
Protein change: p.Ile31Lys; replaces isoleucine 31 with lysine.
Molecular consequence: missense variant.
Genome position (GRCh38, 1-based): chr10:67,647,422, A>T on the plus strand (T>A on the coding strand, the complement: CTNNA3 is on the minus strand). VCF-style: chr10-67647422-A-T. GRCh37 (hg19) VCF-style: chr10-69407180-A-T.
Other names: c.92T>A, p.Ile31Lys (NM_001127384.3); c.128T>A, p.Ile43Lys (NM_001291133.2); short protein forms I31K, I43K.
Identifiers: ClinVar variation 1805429 (VCV001805429.4), dbSNP rs745825183, ClinGen allele CA5520715.
Genomic context (GRCh38, chr10:67,647,422, plus strand): 5'-ATTTTTCATTCTTCTGCAGTTACTATATATCATAATTTCCATGGTATTAATACCTGGATT[A>T]TGAGAGGCTCCAGTAGCTTCTCCACGGTGAATGTTTGGACCTGCAGATCCTGAGGATCGA-3'
Protein context (NP_037398.2, residues 21-41): FTVEKLLEPL[Ile31Lys]IQVTTLVNCP

ClinVar aggregate classification (germline): Uncertain significance. Review status: criteria provided, multiple submitters, no conflicts (2 of 4 stars). 2 submissions from 2 submitters: Uncertain significance (2). Last evaluated 2025-02-17.

Conditions:
Arrhythmogenic right ventricular dysplasia 13. Also called: ARRHYTHMOGENIC RIGHT VENTRICULAR CARDIOMYOPATHY 13; Arrhythmogenic right ventricular dysplasia, familial, 13. Identifiers: MedGen C3810138, MONDO:0000908, OMIM 615616.

Allele frequency attached by ClinVar (database versions not stated): TOPMed 0.00001; ExAC 0.00002; gnomAD exomes 0.00001; gnomAD 0.00001.
gnomAD v4.1: 22 of 1,611,058 alleles (0.0014%); highest among the groups gnomAD compares: Non-Finnish European, 0.0016%; no homozygotes.

Submissions (2):

Labcorp Genetics (formerly Invitae), Labcorp
Classification: Uncertain significance for Arrhythmogenic right ventricular dysplasia 13. Last evaluated: 2025-02-17. Review status: criteria provided, single submitter. Criteria: Invitae Variant Classification Sherloc (09022015). Collection method: clinical testing. Allele origin: germline.
Comment: This sequence change replaces isoleucine, which is neutral and non-polar, with lysine, which is basic and polar, at codon 31 of the CTNNA3 protein (p.Ile31Lys). This variant is present in population databases (rs745825183, gnomAD 0.003%). This variant has not been reported in the literature in individuals affected with CTNNA3-related conditions. ClinVar contains an entry for this variant (Variation ID: 1805429). Invitae Evidence Modeling of protein sequence and biophysical properties (such as structural, functional, and spatial information, amino acid conservation, physicochemical variation, residue mobility, and thermodynamic stability) has been performed for this missense variant. However, the output from this modeling did not meet the statistical confidence thresholds required to predict the impact of this variant on CTNNA3 protein function. In summary, the available evidence is currently insufficient to determine the role of this variant in disease. Therefore, it has been classified as a Variant of Uncertain Significance.

Victorian Clinical Genetics Services, Murdoch Childrens Research Institute
Classification: Uncertain significance for Arrhythmogenic right ventricular dysplasia 13. Last evaluated: 2022-03-31. Review status: criteria provided, single submitter. Criteria: ACMG Guidelines, 2015. Collection method: clinical testing. Allele origin: germline. Inheritance: Autosomal dominant inheritance.
Comment: Based on the classification scheme VCGS_Germline_v1.3.4, this variant is classified as VUS-3B. Following criteria are met: 0105 - The mechanism of disease for this gene is not clearly established. However, both gain of function and loss of function has been suggested (PMID: 23136403). (I) 0107 - This gene is associated with autosomal dominant disease (OMIM, PMID: 33497884). (I) 0200 - Variant is predicted to result in a missense amino acid change from isoleucine to lysine. (I) 0251 - This variant is heterozygous. (I) 0302 - Variant is present in gnomAD (v2) <0.001 for a dominant condition (3 heterozygotes, 0 homozygotes). (SP) 0309 - An alternative amino acid change at the same position has been observed in gnomAD (v2) (1 heterozygote, 0 homozygotes). (I) 0501 - Missense variant consistently predicted to be damaging by multiple in silico tools or highly conserved with a major amino acid change. (SP) 0600 - Variant is located in the annotated vinculin domain (DECIPHER). (I) 0705 - No comparable missense variants have previous evidence for pathogenicity. (I) 0807 - This variant has no previous evidence of pathogenicity. (I) 0905 - No published segregation evidence has been identified for this variant. (I) 1007 - No published functional evidence has been identified for this variant. (I) 1208 - Inheritance information for this variant is not currently available in this individual. (I) Legend: (SP) - Supporting pathogenic, (I) - Information, (SB) - Supporting benign

Literature cited by the submitters: PubMed 23136403 (cited by Victorian Clinical Genetics Services, Murdoch Childrens Research Institute); PubMed 33497884 (cited by Victorian Clinical Genetics Services, Murdoch Childrens Research Institute).